The following is an entry in ClinVar:

ClinVar aggregate classification (germline): Conflicting classifications of pathogenicity. Review status: criteria provided, conflicting classifications (1 of 4 stars). 6 submissions from 6 submitters: Uncertain significance (3); Likely benign (3). Last evaluated 2026-05-27.

Conditions:
Inborn genetic diseases. Identifiers: MedGen C0950123, MeSH D030342.
NPHP4-related disorder. Also called: NPHP4-related disorders; NPHP4-related condition. Identifiers: MedGen CN239384.
Nephronophthisis. Also called: Juvenile Nephronophthisis. Identifiers: Orphanet 655, MedGen C0687120, MONDO:0019005, HP:0000090.
Nephronophthisis 4 (NPHP4). Also called: NEPHRONOPHTHISIS 4, JUVENILE. Identifiers: Orphanet 655, MedGen C1847013, MONDO:0011752, OMIM 606966.
Senior-Loken syndrome 4 (SLSN4). Identifiers: Orphanet 3156, MedGen C1846979, MONDO:0011756, OMIM 606996.

Allele frequency attached by ClinVar (database versions not stated): ESP Exome Variant Server 0.00008; TOPMed 0.00011; gnomAD 0.00012.
gnomAD v4.1: 132 of 1,613,410 alleles (0.0082%); highest among the groups gnomAD compares: East Asian, 0.051%; 3 homozygotes.

Submissions (6):

PreventionGenetics, part of Exact Sciences
Classification: Likely benign for NPHP4-related condition. Last evaluated: 2026-05-27. Review status: criteria provided, single submitter. Criteria: ACMG Guidelines, 2015. Collection method: clinical testing. Allele origin: germline.
Comment: This variant is classified as likely benign based on ACMG/AMP sequence variant interpretation guidelines (Richards et al. 2015 PMID: 25741868, with internal and published modifications).

Blueprint Genetics
Classification: Likely benign. Last evaluated: 2024-10-14. Review status: criteria provided, single submitter. Criteria: ACMG Guidelines, 2015. Collection method: clinical testing. Allele origin: germline.

Fulgent Genetics
Classification: Likely benign for Nephronophthisis 4; Senior-Loken syndrome 4. Last evaluated: 2024-04-26. Review status: criteria provided, single submitter. Criteria: ACMG Guidelines, 2015. Collection method: clinical testing. Allele origin: germline.

Labcorp Genetics (formerly Invitae), Labcorp
Classification: Uncertain significance for Nephronophthisis. Last evaluated: 2022-10-17. Review status: criteria provided, single submitter. Criteria: Invitae Variant Classification Sherloc (09022015). Collection method: clinical testing. Allele origin: germline.
Comment: This sequence change replaces threonine, which is neutral and polar, with lysine, which is basic and polar, at codon 459 of the NPHP4 protein (p.Thr459Lys). This variant is present in population databases (rs371819898, gnomAD 0.1%). This variant has not been reported in the literature in individuals affected with NPHP4-related conditions. ClinVar contains an entry for this variant (Variation ID: 240964). Advanced modeling of protein sequence and biophysical properties (such as structural, functional, and spatial information, amino acid conservation, physicochemical variation, residue mobility, and thermodynamic stability) performed at Invitae indicates that this missense variant is not expected to disrupt NPHP4 protein function. In summary, the available evidence is currently insufficient to determine the role of this variant in disease. Therefore, it has been classified as a Variant of Uncertain Significance.

Ambry Genetics
Classification: Uncertain significance for Inborn genetic diseases. Last evaluated: 2021-07-20. Review status: criteria provided, single submitter. Criteria: Ambry Variant Classification Scheme 2023. Collection method: clinical testing. Allele origin: germline.

Eurofins Ntd Llc (ga)
Classification: Uncertain significance. Last evaluated: 2018-02-06. Review status: criteria provided, single submitter. Criteria: EGL Classification Definitions 2015. Collection method: clinical testing. Allele origin: germline. Observed: 4 variant alleles, 4 heterozygotes.

NM_015102.5(NPHP4):c.1376C>A (p.Thr459Lys)

Gene: NPHP4 (nephrocystin 4; minus strand). Cytogenetic location: 1p36.31.
Variant type: single nucleotide variant.
Coding change: c.1376C>A on transcript NM_015102.5 (MANE Select); coding-DNA position 1376, C replaced by A.
Protein change: p.Thr459Lys; replaces threonine 459 with lysine.
Molecular consequence: missense variant. On other transcripts: synonymous variant (2), non-coding transcript variant (1).
Genome position (GRCh38, 1-based): chr1:5,927,714, G>T on the plus strand (C>A on the coding strand, the complement: NPHP4 is on the minus strand). VCF-style: chr1-5927714-G-T. GRCh37 (hg19) VCF-style: chr1-5987774-G-T.
Other names: c.10C>A, p.Arg4= (NM_001291593.2, NM_001291594.2); c.1376C>A (NM_015102.3); short protein forms T459K.
Identifiers: ClinVar variation 240964 (VCV000240964.16), dbSNP rs371819898, ClinGen allele CA554537.
Genomic context (GRCh38, chr1:5,927,714, plus strand): 5'-GGGGACGTGGGTGGTTTCCTGGAAGGCCGCCGCTCCACTTTGGGGCCACTGACAGGCTCC[G>T]TGGGTGCATCCAGGTGTTCTTCTGAGCCCAGCGAGAACTGGAACCGGAGTGTACCCGACT-3'
Protein context (NP_055917.1, residues 449-469): LGSEEHLDAP[Thr459Lys]EPVSGPKVER